The following is an entry in ClinVar:

NM_007215.4(POLG2):c.563-118A>G

Genes: MILR1 (mast cell immunoglobulin like receptor 1; plus strand), POLG2 (DNA polymerase gamma 2, accessory subunit; minus strand). Cytogenetic location: 17q23.3.
Variant type: single nucleotide variant.
Coding change: c.563-118A>G on transcript NM_007215.4 (MANE Select); 118 bases into the intron before coding-DNA position 563, A replaced by G.
Molecular consequence: intron variant.
Genome position (GRCh38, 1-based): chr17:64,493,139, T>C on the plus strand (A>G on the coding strand, the complement: POLG2 is on the minus strand). VCF-style: chr17-64493139-T-C. GRCh37 (hg19) VCF-style: chr17-62489256-T-C.
Identifiers: ClinVar variation 676256 (VCV000676256.1), dbSNP rs41553317, ClinGen allele CA14423962.
Genomic context (GRCh38, chr17:64,493,139, plus strand): 5'-TGTCAATAGACACATTAATAGTAGTAATAACGTTAACACAGCATAAAGACAGATGTTGGC[T>C]AAGCTTGGTGGCTCACGCCTATAATCCCAGCACTTTGGGAGGTCGAGGTGGGCAGATTGC-3'

ClinVar aggregate classification (germline): Benign (1 of 4 stars; one submission).

Allele frequency attached by ClinVar (database versions not stated): gnomAD exomes 0.11177; gnomAD 0.28044 and 0.29365; 1000 Genomes Project 0.28934; TOPMed 0.30542; 1000 Genomes Project 30x 0.30559.
gnomAD v4.1: 155,816 of 1,158,920 alleles (13%); highest among the groups gnomAD compares: African/African-American, 71%; 23,483 homozygotes.

Submission:

GeneDx
Classification: Benign. Last evaluated: 2018-06-16. Review status: criteria provided, single submitter. Criteria: GeneDx Variant Classification (06012015). Collection method: clinical testing. Allele origin: germline. Affected: yes.
Comment: This variant is considered likely benign or benign based on one or more of the following criteria: it is a conservative change, it occurs at a poorly conserved position in the protein, it is predicted to be benign by multiple in silico algorithms, and/or has population frequency not consistent with disease.